The following is an entry in ClinVar:

ClinVar aggregate classification (germline): Benign/Likely benign. Review status: criteria provided, multiple submitters, no conflicts (2 of 4 stars). 4 submissions from 4 submitters: Benign (2); Likely benign (2). Last evaluated 2026-02-03.

Allele frequency attached by ClinVar (database versions not stated): gnomAD exomes 0.00030; ExAC 0.00033; TOPMed 0.00400; 1000 Genomes Project 0.00499; 1000 Genomes Project 30x 0.00547.
gnomAD v4.1: 944 of 1,451,792 alleles (0.065%); highest among the groups gnomAD compares: African/African-American, 1%; 4 homozygotes.

Submissions (4):

Labcorp Genetics (formerly Invitae), Labcorp
Classification: Benign. Last evaluated: 2026-02-03. Review status: criteria provided, single submitter. Criteria: Invitae Variant Classification Sherloc (09022015). Collection method: clinical testing. Allele origin: germline.

Blueprint Genetics
Classification: Likely benign. Last evaluated: 2024-09-11. Review status: criteria provided, single submitter. Criteria: ACMG Guidelines, 2015. Collection method: clinical testing. Allele origin: germline.

CeGaT Center for Human Genetics Tuebingen
Classification: Likely benign. Last evaluated: 2024-08-01. Review status: criteria provided, single submitter. Criteria: CeGaT Center For Human Genetics Tuebingen Variant Classification Criteria Version 2. Collection method: clinical testing. Allele origin: germline. Affected: yes. Observed: 5 variant alleles.
Comment: GRIN2D: BP4, BP7, BS1

Breakthrough Genomics
Classification: Benign. Review status: criteria provided, single submitter. Criteria: ACMG Guidelines, 2015. Collection method: not provided. Allele origin: germline. Inheritance: Autosomal dominant inheritance. Affected: yes.

NM_000836.4(GRIN2D):c.414G>A (p.Ser138=)

Genes: GRIN2D (glutamate ionotropic receptor NMDA type subunit 2D; plus strand), LOC130064856 (ATAC-STARR-seq lymphoblastoid silent region 10880; plus strand). Cytogenetic location: 19q13.33.
Variant type: single nucleotide variant.
Coding change: c.414G>A on transcript NM_000836.4 (MANE Select); coding-DNA position 414, G replaced by A.
Protein change: p.Ser138=; no amino-acid change (serine 138 retained).
Molecular consequence: synonymous variant.
Genome position (GRCh38, 1-based): chr19:48,398,806, G>A. VCF-style: chr19-48398806-G-A. GRCh37 (hg19) VCF-style: chr19-48902063-G-A.
Identifiers: ClinVar variation 1609411 (VCV001609411.34), dbSNP rs545376716, ClinGen allele CA9550328.
Genomic context (GRCh38, chr19:48,398,806, plus strand): 5'-AGACGACTCGCGCGCGCCCGCCGTCGCGCCCATCCTCGACTTCCTGTCGGCGCAGACCTC[G>A]CTGCCCATCGTGGCCGTGCACGGCGGCGCCGCGCTCGTGCTCACGCCCAAGGTGCGCGCG-3'
Protein context (NP_000827.2, residues 128-148): PILDFLSAQT[Ser138=]LPIVAVHGGA